The following is an entry in ClinVar:

ClinVar aggregate classification (germline): Uncertain significance. Review status: criteria provided, multiple submitters, no conflicts (2 of 4 stars). 4 submissions from 4 submitters: Uncertain significance (4). Last evaluated 2023-08-18.

Conditions:
Inborn genetic diseases. Identifiers: MedGen C0950123, MeSH D030342.
Cranioectodermal dysplasia 2 (CED2). Identifiers: Orphanet 1515, MedGen C3150874, MONDO:0013323, OMIM 613610.
Short-rib thoracic dysplasia 7 with or without polydactyly (SRTD7). Also called: SHORT-RIB THORACIC DYSPLASIA 7 WITH POLYDACTYLY; Short rib polydactyly syndrome 5. Identifiers: Orphanet 498497, Orphanet 93271, MedGen C3279792, MONDO:0013569, OMIM 614091.

Allele frequency attached by ClinVar (database versions not stated): ExAC 0.00002; gnomAD exomes 0.00002; gnomAD 0.00004 and 0.00005; TOPMed 0.00006; 1000 Genomes Project 0.00020; 1000 Genomes Project 30x 0.00031.
gnomAD v4.1: 36 of 1,613,020 alleles (0.0022%); highest among the groups gnomAD compares: Admixed American, 0.027%; no homozygotes.

Submissions (4):

GeneDx
Classification: Uncertain significance. Last evaluated: 2023-08-18. Review status: criteria provided, single submitter. Criteria: GeneDx Variant Classification Process June 2021. Collection method: clinical testing. Allele origin: germline. Affected: yes.
Comment: In silico analysis supports that this missense variant does not alter protein structure/function; Has not been previously published as pathogenic or benign to our knowledge

Blueprint Genetics
Classification: Uncertain significance. Last evaluated: 2022-11-14. Review status: criteria provided, single submitter. Criteria: ACMG Guidelines, 2015. Collection method: clinical testing. Allele origin: germline.

Ambry Genetics
Classification: Uncertain significance for Inborn genetic diseases. Last evaluated: 2022-05-11. Review status: criteria provided, single submitter. Criteria: Ambry Variant Classification Scheme 2023. Collection method: clinical testing. Allele origin: germline.

Labcorp Genetics (formerly Invitae), Labcorp
Classification: Uncertain significance for Cranioectodermal dysplasia 2; Short-rib thoracic dysplasia 7 with or without polydactyly. Last evaluated: 2022-04-22. Review status: criteria provided, single submitter. Criteria: Invitae Variant Classification Sherloc (09022015). Collection method: clinical testing. Allele origin: germline.
Comment: This sequence change replaces glutamic acid, which is acidic and polar, with lysine, which is basic and polar, at codon 402 of the WDR35 protein (p.Glu402Lys). This variant is present in population databases (rs553534590, gnomAD 0.009%). This variant has not been reported in the literature in individuals affected with WDR35-related conditions. Algorithms developed to predict the effect of missense changes on protein structure and function (SIFT, PolyPhen-2, Align-GVGD) all suggest that this variant is likely to be tolerated. In summary, the available evidence is currently insufficient to determine the role of this variant in disease. Therefore, it has been classified as a Variant of Uncertain Significance.

NM_001006657.2(WDR35):c.1204G>A (p.Glu402Lys)

Gene: WDR35 (WD repeat domain 35; minus strand). Cytogenetic location: 2p24.1.
Variant type: single nucleotide variant.
Coding change: c.1204G>A on transcript NM_001006657.2 (MANE Plus Clinical); coding-DNA position 1204, G replaced by A.
Protein change: p.Glu402Lys; replaces glutamic acid 402 with lysine.
Molecular consequence: missense variant. On other transcripts: intron variant (1).
Genome position (GRCh38, 1-based): chr2:19,962,318, C>T on the plus strand (G>A on the coding strand, the complement: WDR35 is on the minus strand). VCF-style: chr2-19962318-C-T. GRCh37 (hg19) VCF-style: chr2-20162079-C-T.
Other names: c.1195-1704G>A (NM_020779.4); c.1204G>A (NM_001006657.1); short protein forms E402K.
Identifiers: ClinVar variation 1419856 (VCV001419856.6), dbSNP rs553534590, ClinGen allele CA1543310.